The following is an entry in ClinVar:

ClinVar aggregate classification (germline): Uncertain significance (1 of 4 stars; one submission).

gnomAD v4.1: 5 of 1,614,028 alleles (0.00031%); highest among the groups gnomAD compares: Middle Eastern, 0.082%; no homozygotes.

Submission:

Labcorp Genetics (formerly Invitae), Labcorp
Classification: Uncertain significance. Last evaluated: 2022-02-24. Review status: criteria provided, single submitter. Criteria: Invitae Variant Classification Sherloc (09022015). Collection method: clinical testing. Allele origin: germline.
Comment: In summary, the available evidence is currently insufficient to determine the role of this variant in disease. Therefore, it has been classified as a Variant of Uncertain Significance. Algorithms developed to predict the effect of missense changes on protein structure and function are either unavailable or do not agree on the potential impact of this missense change (SIFT: "Deleterious"; PolyPhen-2: "Benign"; Align-GVGD: "Class C0"). This variant has not been reported in the literature in individuals affected with VCAN-related conditions. This variant is not present in population databases (gnomAD no frequency). This sequence change replaces serine, which is neutral and polar, with isoleucine, which is neutral and non-polar, at codon 1449 of the VCAN protein (p.Ser1449Ile).

NM_004385.5(VCAN):c.4346G>T (p.Ser1449Ile)

Genes: VCAN (versican; plus strand), VCAN-AS1 (VCAN antisense RNA 1; minus strand). Cytogenetic location: 5q14.3.
Variant type: single nucleotide variant.
Coding change: c.4346G>T on transcript NM_004385.5 (MANE Select); coding-DNA position 4346, G replaced by T.
Protein change: p.Ser1449Ile; replaces serine 1449 with isoleucine.
Molecular consequence: missense variant. On other transcripts: intron variant (2).
Genome position (GRCh38, 1-based): chr5:83,537,349, G>T. VCF-style: chr5-83537349-G-T. GRCh37 (hg19) VCF-style: chr5-82833168-G-T.
Other names: c.1385G>T, p.Ser462Ile (NM_001164097.2); c.4004-8188G>T (NM_001164098.2); c.1043-8188G>T (NM_001126336.3); short protein forms S1449I, S462I.
Identifiers: ClinVar variation 1444656 (VCV001444656.8), dbSNP rs868317793, ClinGen allele CA121808395.
Genomic context (GRCh38, chr5:83,537,349, plus strand): 5'-CTAGGCGTGGCCAGTTTGAAAGTGTTGCACCTTCTCAGAATTTCTCGGACAGCTCTGAAA[G>T]TGATACTCATCCATTTGTAATAGCCAAAACGGAATTGTCTACTGCTGTGCAACCTAATGA-3'
Protein context (NP_004376.2, residues 1439-1459): PSQNFSDSSE[Ser1449Ile]DTHPFVIAKT